The following is an entry in ClinVar:

ClinVar aggregate classification (germline): Uncertain significance (1 of 4 stars; one submission).

Submission:

GeneDx
Classification: Uncertain significance. Last evaluated: 2020-01-28. Review status: criteria provided, single submitter. Criteria: GeneDx Variant Classification Process June 2021. Collection method: clinical testing. Allele origin: germline. Affected: yes.
Comment: Not observed in large population cohorts (Lek et al., 2016); In silico analysis, which includes protein predictors and evolutionary conservation, supports that this variant does not alter protein structure/function; Has not been previously published as pathogenic or benign to our knowledge

NM_000489.6(ATRX):c.2184T>G (p.Asn728Lys)

Gene: ATRX (ATRX chromatin remodeler; minus strand). Cytogenetic location: Xq21.1.
Variant type: single nucleotide variant.
Coding change: c.2184T>G on transcript NM_000489.6 (MANE Select); coding-DNA position 2184, T replaced by G.
Protein change: p.Asn728Lys; replaces asparagine 728 with lysine.
Molecular consequence: missense variant.
Genome position (GRCh38, 1-based): chrX:77,683,072, A>C on the plus strand (T>G on the coding strand, the complement: ATRX is on the minus strand). VCF-style: chrX-77683072-A-C. GRCh37 (hg19) VCF-style: chrX-76938564-A-C.
Other names: c.2070T>G, p.Asn690Lys (NM_138270.5); short protein forms N690K, N728K.
Identifiers: ClinVar variation 1316636 (VCV001316636.2), dbSNP rs2148604807, ClinGen allele CA413713003.